The following is an entry in ClinVar:

ClinVar aggregate classification (germline): Likely benign (0 of 4 stars; one submission).

Conditions:
NRP2-related disorder. Also called: NRP2-related condition.

Allele frequency attached by ClinVar (database versions not stated): gnomAD 0.00001; gnomAD exomes 0.00001; TOPMed 0.00003.
gnomAD v4.1: 7 of 1,614,102 alleles (0.00043%); highest among the groups gnomAD compares: African/African-American, 0.0067%; no homozygotes.

Submission:

PreventionGenetics, part of Exact Sciences
Classification: Likely benign for NRP2-related condition. Last evaluated: 2023-08-14. Review status: no assertion criteria provided. Collection method: clinical testing. Allele origin: germline.
Comment: This variant is classified as likely benign based on ACMG/AMP sequence variant interpretation guidelines (Richards et al. 2015 PMID: 25741868, with internal and published modifications).

NM_003872.3(NRP2):c.1179G>A (p.Val393=)

Gene: NRP2 (neuropilin 2; plus strand). Cytogenetic location: 2q33.3.
Variant type: single nucleotide variant.
Coding change: c.1179G>A on transcript NM_003872.3 (MANE Select); coding-DNA position 1179, G replaced by A.
Protein change: p.Val393=; no amino-acid change (valine 393 retained).
Molecular consequence: synonymous variant.
Genome position (GRCh38, 1-based): chr2:205,740,551, G>A. VCF-style: chr2-205740551-G-A. GRCh37 (hg19) VCF-style: chr2-206605275-G-A.
Other names: c.1179G>A, p.Val393= (NM_018534.4, NM_201264.2, NM_201266.2 and 2 more transcripts).
Identifiers: ClinVar variation 3032028 (VCV003032028.2), dbSNP rs1398387715, ClinGen allele CA430911760.